The following is an entry in ClinVar:

ClinVar aggregate classification (germline): Benign (1 of 4 stars; one submission).

Allele frequency attached by ClinVar (database versions not stated): 1000 Genomes Project 30x 0.00094; 1000 Genomes Project 0.00100; ESP Exome Variant Server 0.00308; gnomAD 0.00311; gnomAD exomes 0.00432; ExAC 0.00543.
gnomAD v4.1: 6,733 of 1,606,946 alleles (0.42%); highest among the groups gnomAD compares: Non-Finnish European, 0.49%; 22 homozygotes.

Submission:

CeGaT Center for Human Genetics Tuebingen
Classification: Benign. Last evaluated: 2026-07-01. Review status: criteria provided, single submitter. Criteria: CeGaT Center For Human Genetics Tuebingen Variant Classification Criteria Version 2. Collection method: clinical testing. Allele origin: germline. Affected: yes. Observed: 9 variant alleles.
Comment: VPS35: BS1, BS2

NM_018206.6(VPS35):c.3+24A>G

Gene: VPS35 (VPS35 retromer complex component; minus strand). Cytogenetic location: 16q11.2.
Variant type: single nucleotide variant.
Coding change: c.3+24A>G on transcript NM_018206.6 (MANE Select); 24 bases into the intron after coding-DNA position 3, A replaced by G.
Molecular consequence: intron variant.
Genome position (GRCh38, 1-based): chr16:46,689,107, T>C on the plus strand (A>G on the coding strand, the complement: VPS35 is on the minus strand). VCF-style: chr16-46689107-T-C. GRCh37 (hg19) VCF-style: chr16-46723019-T-C.
Identifiers: ClinVar variation 2646488 (VCV002646488.24), dbSNP rs186169135, ClinGen allele CA8037168.